The following is an entry in ClinVar:

ClinVar aggregate classification (germline): Uncertain significance (1 of 4 stars; one submission).

Conditions:
Hereditary cancer-predisposing syndrome. Also called: Neoplastic Syndromes, Hereditary; Tumor predisposition; Hereditary Cancer Syndrome; Hereditary neoplastic syndrome. Identifiers: Orphanet 140162, MedGen C0027672, MeSH D009386, MONDO:0015356.

Submission:

Ambry Genetics
Classification: Uncertain significance for Hereditary cancer-predisposing syndrome. Last evaluated: 2021-03-04. Review status: criteria provided, single submitter. Criteria: Ambry Variant Classification Scheme 2023. Collection method: clinical testing. Allele origin: germline.
Comment: The p.M676I variant (also known as c.2028G>T), located in coding exon 12 of the PMS2 gene, results from a G to T substitution at nucleotide position 2028. The methionine at codon 676 is replaced by isoleucine, an amino acid with highly similar properties. This amino acid position is highly conserved in available vertebrate species. In addition, this alteration is predicted to be deleterious by in silico analysis. Since supporting evidence is limited at this time, the clinical significance of this alteration remains unclear.

NM_000535.7(PMS2):c.2028G>T (p.Met676Ile)

Gene: PMS2 (PMS1 homolog 2, mismatch repair system component; minus strand). Cytogenetic location: 7p22.1.
Variant type: single nucleotide variant.
Coding change: c.2028G>T on transcript NM_000535.7 (MANE Select); coding-DNA position 2028, G replaced by T.
Protein change: p.Met676Ile; replaces methionine 676 with isoleucine.
Molecular consequence: missense variant. On other transcripts: non-coding transcript variant (1).
Genome position (GRCh38, 1-based): chr7:5,982,970, C>A on the plus strand (G>T on the coding strand, the complement: PMS2 is on the minus strand). VCF-style: chr7-5982970-C-A. GRCh37 (hg19) VCF-style: chr7-6022601-C-A.
Other names: c.1623G>T, p.Met541Ile (NM_001018040.1, NM_001322003.2, NM_001322004.2 and 15 more transcripts); c.1872G>T, p.Met624Ile (NM_001322006.2, NM_001406870.1); c.1710G>T, p.Met570Ile (NM_001322007.2, NM_001322008.2, NM_001406876.1 and 1 more transcripts); c.1467G>T, p.Met489Ile (NM_001322010.2, NM_001406906.1, NM_001406907.1); c.1095G>T, p.Met365Ile (NM_001322011.2, NM_001322012.2); c.1455G>T, p.Met485Ile (NM_001322013.2, NM_001406909.1); c.2028G>T, p.Met676Ile (NM_001322014.2, NM_001406871.1); c.1719G>T, p.Met573Ile (NM_001322015.2, NM_001406875.1, NM_001406877.1 and 5 more transcripts); and 13 more; short protein forms M541I, M620I, M684I, M275I, M489I, M505I, M568I, M570I.
Identifiers: ClinVar variation 1784701 (VCV001784701.2), dbSNP rs2128704582, ClinGen allele CA366738152.